The following is an entry in ClinVar:

NM_004004.6(GJB2):c.148G>A (p.Asp50Asn)

Gene: GJB2 (gap junction protein beta 2; minus strand). Cytogenetic location: 13q12.11.
Variant type: single nucleotide variant.
Coding change: c.148G>A on transcript NM_004004.6 (MANE Select); coding-DNA position 148, G replaced by A.
Protein change: p.Asp50Asn; replaces aspartic acid 50 with asparagine.
Molecular consequence: missense variant.
Genome position (GRCh38, 1-based): chr13:20,189,434, C>T on the plus strand (G>A on the coding strand, the complement: GJB2 is on the minus strand). VCF-style: chr13-20189434-C-T. GRCh37 (hg19) VCF-style: chr13-20763573-C-T.
Other names: short protein forms D50N.
Identifiers: ClinVar variation 17020 (VCV000017020.31), dbSNP rs28931594, ClinGen allele CA127027.

ClinVar aggregate classification (germline): Pathogenic. Review status: criteria provided, multiple submitters, no conflicts (2 of 4 stars). 15 submissions from 14 submitters: Pathogenic (10). 5 of the submissions do not count toward it. Last evaluated 2025-10-26.

Conditions:
GJB2-related disorder. Also called: GJB2-related condition; GJB2-related disorders. Identifiers: MedGen CN382183, MONDO:1060236.
Autosomal dominant keratitis-ichthyosis-hearing loss syndrome. Also called: HID SYNDROME; KID SYNDROME, AUTOSOMAL DOMINANT; Senter syndrome. Identifiers: Orphanet 477, MedGen C0265336, MONDO:0007850, OMIM 148210.
Ichthyosis, hystrix-like, with hearing loss. Also called: Hystrix-like ichthyosis with deafness. Identifiers: Orphanet 477, MedGen C1865234, MONDO:0011245.
Ichthyosis and erythrokeratoderma.
Hearing loss. Identifiers: MedGen C3887873.
Keratitis ichthyosis and deafness syndrome. Also called: Keratitis-Ichthyosis-Deafness Syndrome; KID syndrome. Identifiers: Orphanet 477, MedGen C3665333, MONDO:0018781.
Sensorineural hearing loss disorder. Also called: Sensorineural hearing loss; Sensorineural Deafness; Sensorineural hearing impairment. Identifiers: MedGen C0018784, MeSH D006319, MONDO:0020678, HP:0000407.
Autosomal recessive nonsyndromic hearing loss 1A (DFNB1A). Also called: Deafness, autosomal recessive 1A; GJB2-Related Autosomal Recessive Nonsyndromic Hearing Loss; Connexin 26 deafness; Deafness nonsyndromic, Connexin 26 linked; Nonsyndromic Hearing Loss and Deafness, DFNB1; GJB6-Related DFNB 1 Nonsyndromic Hearing Loss and Deafness. Identifiers: Orphanet 90636, MedGen C2673759, MONDO:0009076, OMIM 220290.
Mutilating keratoderma (VOWNKL). Also called: Keratoderma hereditarium mutilans. Identifiers: Orphanet 494, MedGen C0265964, MONDO:0007422, OMIM 124500.

Submissions (15):

Clinical Genomics Laboratory, Washington University in St. Louis
Classification: Pathogenic for Keratitis ichthyosis and deafness syndrome. Last evaluated: 2025-10-26. Review status: criteria provided, single submitter. Criteria: Leon-Quintero et al. (Clin Genet. 2025). Collection method: clinical testing. Allele origin: somatic. Affected: yes.
Comment: A GJB2 c.148G>A (p.Asp50Asn) variant was identified at an allelic fraction consistent with somatic origin. This variant has been reported in several individuals affected with keratitis-ichthyosis-deafness (KID) syndrome (Asgari T et al., PMID: 33136289; Dalamon VK et al., PMID: 27141831 et al.; Markova TG et al., PMID: 26810281; Wonkam A et al., PMID: 23924173), and in one individual with epidermal nevus (Cohen-Barak E et al., PMID:34889473). This variant has been reported in the ClinVar database as a pathogenic germline variant by several submitters (Variation ID: 17020). It is absent from the general population (gnomAD v4.1.0), indicating it is not a common variant. Functional studies show a defect in intracellular trafficking to the cell membrane and, most importantly, aberrant function of connexin 26 hemi-channels, indicating that this variant impacts protein function (Lopez W et al., PMID: 23797420et al., Lee JR et al., PMID: 18987669). The GJB2 c.148G>A (p.Asp50Asn) variant resides within a region, the first extracellular loop of GJB2 that is a mutational hotspot (Iossa S et al., PMID: 22547955; Yilmaz A et al., PMID: 25388846; Maeda S et al., PMID: 19340074). The GJB2 gene is defined as a gene that has a low rate of benign missense variation and where pathogenic missense variants are a common mechanism of disease. Based on available information and an internally developed protocol informed by the ACMG/AMP guidelines for variant interpretation and gene-specific practices from the ClinGen Criteria Specification Registry (Leon-Quintero FZ et al., PMID: 39434542), the GJB2 c.148G>A (p.Asp50Asn) variant is classified as pathogenic.

Labcorp Genetics (formerly Invitae), Labcorp
Classification: Pathogenic. Last evaluated: 2025-09-22. Review status: criteria provided, single submitter. Criteria: Invitae Variant Classification Sherloc (09022015). Collection method: clinical testing. Allele origin: germline.
Comment: This sequence change replaces aspartic acid, which is acidic and polar, with asparagine, which is neutral and polar, at codon 50 of the GJB2 protein (p.Asp50Asn). This variant is not present in population databases (gnomAD no frequency). This missense change has been observed in individual(s) with autosomal dominant keratitis-ichthyosis-deafness syndrome (PMID: 11918723, 15633193, 20101161, 23924173, 25575739, 27141831). In at least one individual the variant was observed to be de novo. ClinVar contains an entry for this variant (Variation ID: 17020). Invitae Evidence Modeling of protein sequence and biophysical properties (such as structural, functional, and spatial information, amino acid conservation, physicochemical variation, residue mobility, and thermodynamic stability) indicates that this missense variant is expected to disrupt GJB2 protein function with a positive predictive value of 95%. Experimental studies have shown that this missense change affects GJB2 function (PMID: 18987669, 23797420). For these reasons, this variant has been classified as Pathogenic.

Genetics Laboratory, Great Ormond Street Hospital NHS Foundation Trust, North Thames Genomic Laboratory Hub
Classification: Pathogenic for Ichthyosis and erythrokeratoderma. Last evaluated: 2025-07-29. Review status: criteria provided, single submitter. Criteria: ACGS Best Practice Guidelines for Variant Classification in Rare Disease 2024 v1.2. Collection method: clinical testing. Allele origin: germline. Affected: yes.
Comment: PS4_moderate, PM2_moderate, PS3_moderate, PS2_strong

Natera, Inc.
Classification: Pathogenic for Autosomal recessive deafness type 1A. Last evaluated: 2025-07-16. Review status: criteria provided, single submitter. Criteria: Natera Variant Classification Schema (03/2026). Collection method: clinical testing. Allele origin: germline.
Comment: The c.148G>A variant in GJB2 is a missense variant predicted to cause substitution of aspartic acid to asparagine at amino acid 50. This variant is rare in the general population with a frequency below the threshold expected for the associated phenotype(s). This variant has been observed in affected individual(s) with monoallelic occurrence (heterozygous/hemizygous) (PMID: 20307501, 15823911, 17106596, 18412859, 18843290, 25575739, 33502802). This variant has been confirmed as or assumed to be a de novo occurrence in one or more affected individuals (PMID: 33502802). A different variant at the same position has been determined to be Pathogenic or Likely Pathogenic. Computational prediction algorithms indicate this variant is likely to affect gene or protein function. Given the available evidence, this variant is classified as Pathogenic.

3billion
Classification: Pathogenic for Autosomal dominant keratitis-ichthyosis-hearing loss syndrome. Last evaluated: 2024-09-30. Review status: criteria provided, single submitter. Criteria: ACMG Guidelines, 2015. Collection method: clinical testing. Allele origin: germline. Affected: yes.
Comment: The variant is not observed in the gnomAD v4.1.0 dataset. Predicted Consequence/Location: Missense variant Functional studies provide strong evidence of the variant having a damaging effect on the gene or gene product (PMID: 18987669, 23797420). In silico tool predictions suggest damaging effect of the variant on gene or gene product [REVEL: 0.64 (>=0.6, sensitivity 0.68 and specificity 0.92); 3Cnet: 0.99 (>=0.6, sensitivity 0.72 and precision 0.9)]. The same nucleotide change resulting in the same amino acid change has been previously reported as pathogenic/likely pathogenic with strong evidence (ClinVar ID: VCV000017020 /PMID: 11918723). The variant has been observed in multiple (>3) similarly affected unrelated individuals (PMID: 11918723, 15633193, 20101161, 23924173, 25575739, 27141831). The variant has been previously reported as assumed (i.e. paternity and maternity not confirmed) de novo in at least two similarly affected unrelated individuals (PMID: 15633193, 20101161, 27141831). The variant has been reported to co-segregate with the disease in at least 3 similarly affected relatives/individuals in the same family or similarly affected unrelated families (PMID: 15633193). Different missense changes at the same codon (p.Asp50Ala, p.Asp50Tyr) have been reported to be associated with GJB2-related disorder (ClinVar ID: VCV000017028 /PMID: 12752120, 18313767). Therefore, this variant is classified as Pathogenic according to the recommendation of ACMG/AMP guideline.

Blueprint Genetics
Classification: Pathogenic for GJB2-related disorders. Last evaluated: 2022-11-17. Review status: criteria provided, single submitter. Criteria: ACMG Guidelines, 2015. Collection method: clinical testing. Allele origin: germline. Affected: yes. Observed: 1 variant allele.

Mendelics
Classification: Pathogenic for Mutilating keratoderma. Last evaluated: 2022-05-04. Review status: criteria provided, single submitter. Criteria: Mendelics Assertion Criteria 2019. Collection method: clinical testing. Allele origin: germline.

GeneDx
Classification: Pathogenic. Last evaluated: 2022-04-12. Review status: criteria provided, single submitter. Criteria: GeneDx Variant Classification Process June 2021. Collection method: clinical testing. Allele origin: germline. Affected: yes.
Comment: Published functional studies demonstrate a defect in intracellular trafficking to the cell memberane and, most importantly, aberrant function of connexin26 hemichannels (Di et al., 2005; Lopez et al., 2013; Taki et al., 2018); Located in highly conserved first extracellular domain of connexin 26, which is a known mutational hotspot for autosomal dominant, syndromic GJB2 disorders (Richard et al., 2002; UniProt Consortium, 2017; HGMD); In silico analysis, which includes protein predictors and evolutionary conservation, supports a deleterious effect; Not observed at significant frequency in large population cohorts (gnomAD); This variant is associated with the following publications: (PMID: 21410767, 18986886, 23797419, 22951689, 27141831, 17381453, 21999526, 22643125, 15769851, 18987669, 20101161, 15823911, 15633193, 25575739, 26444850, 23924173, 25388846, 17106596, 28158657, 18412859, 16172043, 16679758, 19793313, 19175781, 28428247, 23797420, 11918723, 26810281, 30150638, 12072059, 11912510, 28981923, 29023238, 30168495, 33502802, 31705875)

Laboratorio de Genetica e Diagnostico Molecular, Hospital Israelita Albert Einstein
Classification: Pathogenic for Autosomal dominant keratitis-ichthyosis-hearing loss syndrome. Last evaluated: 2022-02-15. Review status: criteria provided, single submitter. Criteria: ACMG Guidelines, 2015. Collection method: clinical testing. Allele origin: germline. Affected: yes.
Comment: ACMG classification criteria: PS3 supporting, PS4, PM1, PM2 moderate, PM6

Eurofins Ntd Llc (ga)
Classification: Pathogenic. Last evaluated: 2014-10-31. Review status: criteria provided, single submitter. Criteria: EGL Classification Definitions 2015. Collection method: clinical testing. Allele origin: germline. Observed: 1 variant allele, 1 heterozygote.

Molecular Genetics Laboratory, BC Children's and BC Women's Hospitals
Classification: Pathogenic for SENSORINEURAL HEARING LOSS. Last evaluated: 2020-01-06. Review status: no assertion criteria provided. Criteria: ACMG Guidelines, 2015. Collection method: clinical testing. Allele origin: germline. Affected: yes. Not counted in ClinVar's aggregate classification.

OMIM
Classification: Pathogenic for KERATITIS-ICHTHYOSIS-DEAFNESS SYNDROME, AUTOSOMAL DOMINANT. Last evaluated: 2009-03-01. Review status: no assertion criteria provided. Collection method: literature only. Allele origin: germline. Not counted in ClinVar's aggregate classification.

OMIM
Classification: Pathogenic for ICHTHYOSIS, HYSTRIX-LIKE, WITH DEAFNESS. Last evaluated: 2009-03-01. Review status: no assertion criteria provided. Collection method: literature only. Allele origin: germline. Not counted in ClinVar's aggregate classification.

Clinical Molecular Genetics Laboratory, Johns Hopkins All Children's Hospital
Classification: Pathogenic for Hearing loss. Last evaluated: 2006-10-17. Review status: no assertion criteria provided. Collection method: clinical testing. Allele origin: germline. Affected: yes. Not counted in ClinVar's aggregate classification.

Nemer Genomics and Translation Biomedicine Lab, American University of Beirut
Classification: Pathogenic for Autosomal dominant keratitis-ichthyosis-hearing loss syndrome. Review status: no assertion criteria provided. Collection method: clinical testing. Allele origin: germline. Affected: yes. Observed: 1 heterozygote. Not counted in ClinVar's aggregate classification.

Literature cited by the submitters: PubMed 11918723 (cited by 3 submitters); PubMed 15633193 (cited by 3 submitters); PubMed 20101161 (cited by Labcorp Genetics (formerly Invitae), Labcorp and 3billion); PubMed 23924173 (cited by Labcorp Genetics (formerly Invitae), Labcorp and 3billion); PubMed 25575739 (cited by 3 submitters); PubMed 27141831 (cited by Labcorp Genetics (formerly Invitae), Labcorp and 3billion); PubMed 18987669 (cited by 3 submitters); PubMed 23797420 (cited by Labcorp Genetics (formerly Invitae), Labcorp and 3billion); PubMed 20307501 (cited by Natera, Inc.); PubMed 15823911 (cited by Natera, Inc.); PubMed 17106596 (cited by Natera, Inc.); PubMed 18412859 (cited by Natera, Inc.); PubMed 18843290 (cited by Natera, Inc. and OMIM); PubMed 33502802 (cited by Natera, Inc.); PubMed 12752120 (cited by 3billion); PubMed 11912510 (cited by Eurofins Ntd Llc (ga) and OMIM); PubMed 15769851 (cited by Eurofins Ntd Llc (ga)); PubMed 12548749 (cited by OMIM); PubMed 17330861 (cited by OMIM); PubMed 12072059 (cited by OMIM).